The following is an entry in ClinVar:

NM_006662.3(SRCAP):c.7275_7279del (p.Pro2427fs)

Gene: SRCAP (Snf2 related CREBBP activator protein; plus strand). Cytogenetic location: 16p11.2.
Variant type: Microsatellite.
Coding change: c.7275_7279del on transcript NM_006662.3 (MANE Select); coding-DNA positions 7275 to 7279, 5 bases deleted (ACCAC; older notation c.7275_7279delACCAC).
Protein change: p.Pro2427fs; shifts the reading frame from proline 2427.
Molecular consequence: frameshift variant.
Genome position (GRCh38, 1-based): chr16:30,737,315-30,737,319, ACCAC deleted; deleting any 5 consecutive bases within chr16:30,737,309-30,737,319 gives the same sequence; the c. name uses the placement nearest the transcript's 3' end. VCF-style (leftmost placement, unchanged base first): chr16-30737308-CCACCA-C. GRCh37 (hg19) VCF-style: chr16-30748629-CCACCA-C.
Other names: short protein forms P2427fs.
Identifiers: ClinVar variation 3169845 (VCV003169845.1), dbSNP rs2506726518, ClinGen allele CA2825002436.

ClinVar aggregate classification (germline): Likely pathogenic (1 of 4 stars; one submission).

Conditions:
Inborn genetic diseases. Identifiers: MedGen C0950123, MeSH D030342.

Submission:

Ambry Genetics
Classification: Likely pathogenic for Inborn genetic diseases. Last evaluated: 2023-10-17. Review status: criteria provided, single submitter. Criteria: Ambry Variant Classification Scheme 2023. Collection method: clinical testing. Allele origin: germline.
Comment: The c.7275_7279delACCAC (p.P2427Lfs*14) alteration, located in exon 34 (coding exon 32) of the SRCAP gene, consists of a deletion of 5 nucleotides from position 7275 to 7279, causing a translational frameshift with a predicted alternate stop codon after 14 amino acids. This alteration occurs at the 3' terminus of the SRCAP gene, is not expected to trigger nonsense-mediated mRNA decay, and impacts the last 24.8% of the protein. However, premature stop codons are typically deleterious in nature, a significant portion of the protein is affected, and the impacted region is critical for protein function (Ambry internal data)._x000D_ _x000D_ for autosomal dominant Floating-Harbor syndrome; however, its clinical significance for autosomal dominant SRCAP-related neurodevelopmental disorder is uncertain. This variant was not reported in population-based cohorts in the Genome Aggregation Database (gnomAD). Based on the available evidence, this alteration is classified as likely pathogenic.